The following is an entry in ClinVar:

NM_020461.4(TUBGCP6):c.4234C>G (p.Gln1412Glu)

Gene: TUBGCP6 (tubulin gamma complex component 6; minus strand). Cytogenetic location: 22q13.33.
Variant type: single nucleotide variant.
Coding change: c.4234C>G on transcript NM_020461.4 (MANE Select); coding-DNA position 4234, C replaced by G.
Protein change: p.Gln1412Glu; replaces glutamine 1412 with glutamic acid.
Molecular consequence: missense variant.
Genome position (GRCh38, 1-based): chr22:50,219,725, G>C on the plus strand (C>G on the coding strand, the complement: TUBGCP6 is on the minus strand). VCF-style: chr22-50219725-G-C. GRCh37 (hg19) VCF-style: chr22-50658154-G-C.
Other names: short protein forms Q1412E.
Identifiers: ClinVar variation 4780895 (VCV004780895.1).

ClinVar aggregate classification (germline): Uncertain significance (1 of 4 stars; one submission).

Submission:

Labcorp Genetics (formerly Invitae), Labcorp
Classification: Uncertain significance. Last evaluated: 2025-08-03. Review status: criteria provided, single submitter. Criteria: Invitae Variant Classification Sherloc (09022015). Collection method: clinical testing. Allele origin: germline.
Comment: This sequence change replaces glutamine, which is neutral and polar, with glutamic acid, which is acidic and polar, at codon 1412 of the TUBGCP6 protein (p.Gln1412Glu). This variant is not present in population databases (gnomAD no frequency). This variant has not been reported in the literature in individuals affected with TUBGCP6-related conditions. An algorithm developed to predict the effect of missense changes on protein structure and function (PolyPhen-2) suggests that this variant is likely to be tolerated. In summary, the available evidence is currently insufficient to determine the role of this variant in disease. Therefore, it has been classified as a Variant of Uncertain Significance.